The following is an entry in ClinVar:

NM_170606.3(KMT2C):c.6769C>T (p.Arg2257Ter)

Gene: KMT2C (lysine methyltransferase 2C; minus strand). Cytogenetic location: 7q36.1.
Variant type: single nucleotide variant.
Coding change: c.6769C>T on transcript NM_170606.3 (MANE Select); coding-DNA position 6769, C replaced by T.
Protein change: p.Arg2257Ter; replaces arginine 2257 with a stop codon.
Molecular consequence: nonsense.
Genome position (GRCh38, 1-based): chr7:152,181,091, G>A on the plus strand (C>T on the coding strand, the complement: KMT2C is on the minus strand). VCF-style: chr7-152181091-G-A. GRCh37 (hg19) VCF-style: chr7-151878176-G-A.
Other names: short protein forms R2257*.
Identifiers: ClinVar variation 1705675 (VCV001705675.1), dbSNP rs2129119641, ClinGen allele CA370091812.

ClinVar aggregate classification (germline): Likely pathogenic (1 of 4 stars; one submission).

Conditions:
Kleefstra syndrome 2 (KLEFS2). Identifiers: MedGen C4540395, MONDO:0054701, OMIM 617768.

Submission:

3billion
Classification: Likely pathogenic for Kleefstra syndrome 2. Last evaluated: 2022-09-01. Review status: criteria provided, single submitter. Criteria: ACMG Guidelines, 2015. Collection method: clinical testing. Allele origin: germline. Affected: yes. Observed: 1 heterozygote.
Comment: The variant is not observed in the gnomAD v2.1.1 dataset. Stop-gained (nonsense) is predicted to result in a loss or disruption of normal protein function through nonsense-mediated decay (NMD) or protein truncation. Multiple pathogenic variants are reported downstream of the variant. Therefore, this variant is classified as Likely pathogenic according to the recommendation of ACMG/AMP guideline.